The following is an entry in ClinVar:

ClinVar aggregate classification (germline): Uncertain significance (1 of 4 stars; one submission).

Conditions:
Nephronophthisis. Also called: Juvenile Nephronophthisis. Identifiers: Orphanet 655, MedGen C0687120, MONDO:0019005, HP:0000090.

Allele frequency attached by ClinVar (database versions not stated): gnomAD exomes below 0.00001; TOPMed below 0.00001.
gnomAD v4.1: 2 of 1,613,804 alleles (0.00012%); highest among the groups gnomAD compares: Admixed American, 0.0033%; no homozygotes.

Submission:

Labcorp Genetics (formerly Invitae), Labcorp
Classification: Uncertain significance for Nephronophthisis. Last evaluated: 2025-10-22. Review status: criteria provided, single submitter. Criteria: Invitae Variant Classification Sherloc (09022015). Collection method: clinical testing. Allele origin: germline.
Comment: This sequence change replaces valine, which is neutral and non-polar, with alanine, which is neutral and non-polar, at codon 571 of the INVS protein (p.Val571Ala). This variant is present in population databases (no rsID available, gnomAD 0.003%). This variant has not been reported in the literature in individuals affected with INVS-related conditions. ClinVar contains an entry for this variant (Variation ID: 1350772). An algorithm developed to predict the effect of missense changes on protein structure and function (PolyPhen-2) suggests that this variant is likely to be tolerated. In summary, the available evidence is currently insufficient to determine the role of this variant in disease. Therefore, it has been classified as a Variant of Uncertain Significance.

NM_014425.5(INVS):c.1712T>C (p.Val571Ala)

Gene: INVS (inversin; plus strand). Cytogenetic location: 9q31.1.
Variant type: single nucleotide variant.
Coding change: c.1712T>C on transcript NM_014425.5 (MANE Select); coding-DNA position 1712, T replaced by C.
Protein change: p.Val571Ala; replaces valine 571 with alanine.
Molecular consequence: missense variant. On other transcripts: non-coding transcript variant (1).
Genome position (GRCh38, 1-based): chr9:100,273,004, T>C. VCF-style: chr9-100273004-T-C. GRCh37 (hg19) VCF-style: chr9-103035286-T-C.
Other names: c.1424T>C, p.Val475Ala (NM_001318381.2); c.734T>C, p.Val245Ala (NM_001318382.2); short protein forms V571A, V245A, V475A.
Identifiers: ClinVar variation 1350772 (VCV001350772.6), dbSNP rs1236753815, ClinGen allele CA374238611.
Genomic context (GRCh38, chr9:100,273,004, plus strand): 5'-TCGCAGCCATACAAGACATCGCCGCCTTCAAAATCCAAGCTGTCTACAAAGGGTACAAGG[T>C]CAGAAAAGCCTTCCGAGACAGGAAAAATCTCCTCATGAAGCATGAACAGTTGAGAAAAGA-3'
Protein context (NP_055240.2, residues 561-581): KIQAVYKGYK[Val571Ala]RKAFRDRKNL